The following is an entry in ClinVar:

ClinVar aggregate classification (germline): Likely benign (1 of 4 stars; one submission).

Submission:

CeGaT Center for Human Genetics Tuebingen
Classification: Likely benign. Last evaluated: 2025-10-01. Review status: criteria provided, single submitter. Criteria: CeGaT Center For Human Genetics Tuebingen Variant Classification Criteria Version 2. Collection method: clinical testing. Allele origin: germline. Affected: yes. Observed: 1 variant allele.
Comment: HCN1: BS2

NM_021072.4(HCN1):c.201_212del (p.Gly71_Gly74del)

Gene: HCN1 (hyperpolarization activated cyclic nucleotide gated potassium channel 1; minus strand). Cytogenetic location: 5p12.
Variant type: Deletion.
Coding change: c.201_212del on transcript NM_021072.4 (MANE Select); coding-DNA positions 201 to 212, 12 bases deleted (TGGCGGCGGCGG).
Protein change: p.Gly71_Gly74del.
Molecular consequence: inframe deletion.
Genome position (GRCh38, 1-based): chr5:45,695,882-45,695,893, CCGCCGCCGCCA deleted on the plus strand (TGGCGGCGGCGG on the coding strand, the reverse complement: HCN1 is on the minus strand); deleting any 12 consecutive bases within chr5:45,695,882-45,695,901 gives the same sequence; the c. name uses the placement nearest the transcript's 3' end. VCF-style (leftmost placement, unchanged base first): chr5-45695881-GCCGCCGCCGCCA-G. GRCh37 (hg19) VCF-style: chr5-45695983-GCCGCCGCCGCCA-G.
Identifiers: ClinVar variation 4534139 (VCV004534139.6).